The following is an entry in ClinVar:

NM_000321.3(RB1):c.384_386delinsTCC (p.His129Pro)

Gene: RB1 (RB transcriptional corepressor 1; plus strand). Cytogenetic location: 13q14.2.
Variant type: Indel.
Coding change: c.384_386delinsTCC on transcript NM_000321.3 (MANE Select); coding-DNA positions 384 to 386, CCA replaced by TCC.
Protein change: p.His129Pro; replaces histidine 129 with proline.
Molecular consequence: missense variant.
Genome position (GRCh38, 1-based): chr13:48,345,083-48,345,085, CCA replaced by TCC. VCF-style: chr13-48345083-CCA-TCC. GRCh37 (hg19) VCF-style: chr13-48919219-CCA-TCC.
Other names: c.384_386delinsTCC, p.His129Pro (NM_001407165.1, NM_001407166.1); short protein forms H129P.
Identifiers: ClinVar variation 3943323 (VCV003943323.1).
Genomic context (GRCh38, chr13:48,345,083, plus strand): 5'-AAATAACACAAATTTTTAAGGTTACTGATTTACTTTTTTCTATTCTTTCCTTTGTAGTGT[CCA>TCC]TAAATTCTTTAACTTACTAAAAGAAATTGATACCAGTACCAAAGTTGATAATGCTATGTC-3'
Protein context (NP_000312.2, residues 119-139): ELQKNIEISV[His129Pro]KFFNLLKEID

ClinVar aggregate classification (germline): Uncertain significance (1 of 4 stars; one submission).

Conditions:
Hereditary cancer-predisposing syndrome. Also called: Tumor predisposition; Hereditary neoplastic syndrome; Hereditary Cancer Syndrome; Neoplastic Syndromes, Hereditary. Identifiers: Orphanet 140162, MedGen C0027672, MeSH D009386, MONDO:0015356.

Submission:

Ambry Genetics
Classification: Uncertain significance for Hereditary cancer-predisposing syndrome. Last evaluated: 2025-04-02. Review status: criteria provided, single submitter. Criteria: Ambry Variant Classification Scheme 2023. Collection method: clinical testing. Allele origin: germline.
Comment: The c.384_386delCCAinsTCC variant (also known as p.H129P), located in coding exon 4 of the RB1 gene, results from an in-frame deletion of CCA and insertion of TCC at nucleotide positions 384 to 386. This results in the substitution of the histidine residue for a proline residue at codon 129, an amino acid with similar properties. This amino acid position is poorly conserved in available vertebrate species. In addition, this alteration is predicted to be neutral by in silico analysis (Choi Y et al. PLoS ONE. 2012; 7(10):e46688). Since supporting evidence is limited at this time, the clinical significance of this alteration remains unclear.